The following is an entry in ClinVar:

NM_006445.4(PRPF8):c.3577G>A (p.Glu1193Lys)

Gene: PRPF8 (pre-mRNA processing factor 8; minus strand). Cytogenetic location: 17p13.3.
Variant type: single nucleotide variant.
Coding change: c.3577G>A on transcript NM_006445.4 (MANE Select); coding-DNA position 3577, G replaced by A.
Protein change: p.Glu1193Lys; replaces glutamic acid 1193 with lysine.
Molecular consequence: missense variant.
Genome position (GRCh38, 1-based): chr17:1,673,437, C>T on the plus strand (G>A on the coding strand, the complement: PRPF8 is on the minus strand). VCF-style: chr17-1673437-C-T. GRCh37 (hg19) VCF-style: chr17-1576731-C-T.
Other names: short protein forms E1193K.
Identifiers: ClinVar variation 1024807 (VCV001024807.5), dbSNP rs1221014181, ClinGen allele CA397539347.

ClinVar aggregate classification (germline): Uncertain significance (1 of 4 stars; one submission).

Allele frequency attached by ClinVar (database versions not stated): gnomAD exomes below 0.00001 and 0.00001; TOPMed 0.00001.
gnomAD v4.1: 4 of 1,614,162 alleles (0.00025%); highest among the groups gnomAD compares: Admixed American, 0.0033%; no homozygotes.

Submission:

Labcorp Genetics (formerly Invitae), Labcorp
Classification: Uncertain significance. Last evaluated: 2023-08-23. Review status: criteria provided, single submitter. Criteria: Invitae Variant Classification Sherloc (09022015). Collection method: clinical testing. Allele origin: germline.
Comment: In summary, the available evidence is currently insufficient to determine the role of this variant in disease. Therefore, it has been classified as a Variant of Uncertain Significance. Advanced modeling of protein sequence and biophysical properties (such as structural, functional, and spatial information, amino acid conservation, physicochemical variation, residue mobility, and thermodynamic stability) has been performed at Invitae for this missense variant, however the output from this modeling did not meet the statistical confidence thresholds required to predict the impact of this variant on PRPF8 protein function. ClinVar contains an entry for this variant (Variation ID: 1024807). This variant has not been reported in the literature in individuals affected with PRPF8-related conditions. This variant is present in population databases (no rsID available, gnomAD 0.006%). This sequence change replaces glutamic acid, which is acidic and polar, with lysine, which is basic and polar, at codon 1193 of the PRPF8 protein (p.Glu1193Lys).